The following is an entry in ClinVar:

NM_152732.5(RSPH9):c.35T>C (p.Leu12Pro)

Gene: RSPH9 (radial spoke head component 9; plus strand). Cytogenetic location: 6p21.1.
Variant type: single nucleotide variant.
Coding change: c.35T>C on transcript NM_152732.5 (MANE Select); coding-DNA position 35, T replaced by C.
Protein change: p.Leu12Pro; replaces leucine 12 with proline.
Molecular consequence: missense variant. On other transcripts: non-coding transcript variant (2).
Genome position (GRCh38, 1-based): chr6:43,645,133, T>C. VCF-style: chr6-43645133-T-C. GRCh37 (hg19) VCF-style: chr6-43612870-T-C.
Other names: c.35T>C, p.Leu12Pro (NM_001193341.2, NM_001424119.1, NM_001424120.1 and 1 more transcripts); short protein forms L12P.
Identifiers: ClinVar variation 4763802 (VCV004763802.1).

ClinVar aggregate classification (germline): Uncertain significance (1 of 4 stars; one submission).

Conditions:
Primary ciliary dyskinesia. Also called: Ciliary dyskinesia. Identifiers: Orphanet 244, MedGen C0008780, MONDO:0016575, HP:0012265.

gnomAD v4.1: 1 of 1,613,006 alleles (0.000062%); highest among the groups gnomAD compares: African/African-American, 0.0013%; no homozygotes.

Submission:

Labcorp Genetics (formerly Invitae), Labcorp
Classification: Uncertain significance for Primary ciliary dyskinesia. Last evaluated: 2025-12-24. Review status: criteria provided, single submitter. Criteria: Invitae Variant Classification Sherloc (09022015). Collection method: clinical testing. Allele origin: germline.
Comment: This sequence change replaces leucine, which is neutral and non-polar, with proline, which is neutral and non-polar, at codon 12 of the RSPH9 protein (p.Leu12Pro). This variant is present in population databases (rs753614750, gnomAD 0.007%). This variant has not been reported in the literature in individuals affected with RSPH9-related conditions. An algorithm developed to predict the effect of missense changes on protein structure and function (PolyPhen-2) suggests that this variant is likely to be disruptive. In summary, the available evidence is currently insufficient to determine the role of this variant in disease. Therefore, it has been classified as a Variant of Uncertain Significance.